The following is an entry in ClinVar:

ClinVar aggregate classification (germline): Conflicting classifications of pathogenicity. Review status: criteria provided, conflicting classifications (1 of 4 stars). 10 submissions from 10 submitters: Uncertain significance (7); Likely benign (1). 2 of the submissions do not count toward it. Last evaluated 2026-02-10.

Conditions:
ATM-related cancer predisposition. Also called: ATM-related cancer susceptibility. Identifiers: MedGen CN377759, MONDO:0700270.
Hereditary cancer-predisposing syndrome. Also called: Hereditary neoplastic syndrome; Neoplastic Syndromes, Hereditary; Tumor predisposition; Hereditary Cancer Syndrome. Identifiers: Orphanet 140162, MedGen C0027672, MeSH D009386, MONDO:0015356.
Familial cancer of breast. Also called: hereditary breast carcinoma; BREAST CANCER, FAMILIAL; Hereditary breast cancer. Identifiers: Orphanet 227535, MedGen C0346153, MONDO:0016419, OMIM 114480. Disease mechanism: loss of function.
Ataxia-telangiectasia syndrome (AT). Also called: LOUIS-BAR SYNDROME; ATAXIA-TELANGIECTASIA, COMPLEMENTATION GROUP A; ATAXIA-TELANGIECTASIA, FRESNO VARIANT; Ataxia-telangiectasia; Ataxia telangiectasia (A-T); Ataxia-telangiectasia, complementation group D. Identifiers: Orphanet 100, MedGen C0004135, MONDO:0008840, OMIM 208900.

Allele frequency attached by ClinVar (database versions not stated): gnomAD exomes 0.00002 and 0.00001; gnomAD 0.00001; TOPMed 0.00001; ExAC 0.00002.
gnomAD v4.1: 7 of 1,612,422 alleles (0.00043%); highest among the groups gnomAD compares: Admixed American, 0.012%; no homozygotes.

Submissions (10):

Hema, HEMA – Genetic and Molecular Diagnostic Laboratory
Classification: Uncertain significance for ATM-related cancer predisposition. Last evaluated: 2026-02-10. Review status: criteria provided, single submitter. Criteria: HEMA Variant Classification Assertion Criteria. Collection method: clinical testing. Allele origin: germline.
Comment: The c.400G>A p.(Gly134Ser) variant is a transition from guanine to adenine, resulting in the substitution of glycine 134 with serine. BP4: The score of the computational metapredictor REVEL = 0.10 ≤ 0.249, indicating that the variant would not affect protein function.

Labcorp Genetics (formerly Invitae), Labcorp
Classification: Uncertain significance for Ataxia-telangiectasia syndrome. Last evaluated: 2025-11-24. Review status: criteria provided, single submitter. Criteria: Invitae Variant Classification Sherloc (09022015). Collection method: clinical testing. Allele origin: germline.
Comment: This sequence change replaces glycine, which is neutral and non-polar, with serine, which is neutral and polar, at codon 134 of the ATM protein (p.Gly134Ser). This variant is present in population databases (rs2234998, gnomAD 0.01%). This variant has not been reported in the literature in individuals affected with ATM-related conditions. ClinVar contains an entry for this variant (Variation ID: 133632). Invitae Evidence Modeling of protein sequence and biophysical properties (such as structural, functional, and spatial information, amino acid conservation, physicochemical variation, residue mobility, and thermodynamic stability) indicates that this missense variant is not expected to disrupt ATM protein function with a negative predictive value of 95%. In summary, the available evidence is currently insufficient to determine the role of this variant in disease. Therefore, it has been classified as a Variant of Uncertain Significance.

Quest Diagnostics Nichols Institute San Juan Capistrano
Classification: Uncertain significance. Last evaluated: 2025-09-25. Review status: criteria provided, single submitter. Criteria: Quest Diagnostics criteria. Collection method: clinical testing. Allele origin: unknown.

Ambry Genetics
Classification: Likely benign for Hereditary cancer-predisposing syndrome. Last evaluated: 2024-06-05. Review status: criteria provided, single submitter. Criteria: Ambry Variant Classification Scheme 2023. Collection method: clinical testing. Allele origin: germline.

Women's Health and Genetics/Laboratory Corporation of America, LabCorp
Classification: Uncertain significance. Last evaluated: 2023-09-18. Review status: criteria provided, single submitter. Criteria: LabCorp Variant Classification Summary - May 2015. Collection method: clinical testing. Allele origin: germline.
Comment: Variant summary: ATM c.400G>A (p.Gly134Ser) results in a non-conservative amino acid change located in the telomere-length maintenance and DNA damage repair domain (IPR0216680) of the encoded protein sequence. Four of five in-silico tools predict a benign effect of the variant on protein function. The variant allele was found at a frequency of 1.6e-05 in 251284 control chromosomes. The available data on variant occurrences in the general population are insufficient to allow any conclusion about variant significance. To our knowledge, no occurrence of c.400G>A in individuals affected with Breast Cancer and no experimental evidence demonstrating its impact on protein function have been reported. Four submitters have cited clinical-significance assessments for this variant to ClinVar after 2014; all submitters classified the variant as uncertain significance. Based on the evidence outlined above, the variant was classified as uncertain significance.

Baylor Genetics
Classification: Uncertain significance for Familial cancer of breast. Last evaluated: 2023-05-31. Review status: criteria provided, single submitter. Criteria: ACMG Guidelines, 2015. Collection method: clinical testing. Allele origin: unknown.

Color Diagnostics, LLC DBA Color Health
Classification: Uncertain significance for Hereditary cancer-predisposing syndrome. Last evaluated: 2021-10-04. Review status: criteria provided, single submitter. Criteria: ACMG Guidelines, 2015. Collection method: clinical testing. Allele origin: germline.
Comment: This missense variant replaces glycine with serine at codon 134 of the ATM protein. Computational prediction suggests that this variant may not impact protein structure and function (internally defined REVEL score threshold <= 0.5, PMID: 27666373). To our knowledge, functional studies have not been reported for this variant. This variant has not been reported in individuals affected with hereditary cancer in the literature. This variant has been identified in 4/251284 chromosomes in the general population by the Genome Aggregation Database (gnomAD). The available evidence is insufficient to determine the role of this variant in disease conclusively. Therefore, this variant is classified as a Variant of Uncertain Significance.

Fulgent Genetics
Classification: Uncertain significance for Familial cancer of breast; Ataxia-telangiectasia syndrome. Last evaluated: 2018-10-31. Review status: criteria provided, single submitter. Criteria: ACMG Guidelines, 2015. Collection method: clinical testing. Allele origin: unknown.

Natera, Inc.
Classification: Uncertain significance for Ataxia-telangiectasia. Last evaluated: 2020-09-16. Review status: no assertion criteria provided. Collection method: clinical testing. Allele origin: germline. Not counted in ClinVar's aggregate classification.

ITMI
No classification provided. Condition: AllHighlyPenetrant. Last evaluated: 2013-09-19. Review status: no classification provided. Collection method: reference population. Allele origin: germline. Not counted in ClinVar's aggregate classification.
Comment: Please see associated publication for description of ethnicities

Literature cited by the submitters: PubMed 24728327 (cited by Ambry Genetics and ITMI).

NM_000051.4(ATM):c.400G>A (p.Gly134Ser)

Gene: ATM (ATM serine/threonine kinase; plus strand). Cytogenetic location: 11q22.3.
Variant type: single nucleotide variant.
Coding change: c.400G>A on transcript NM_000051.4 (MANE Select); coding-DNA position 400, G replaced by A.
Protein change: p.Gly134Ser; replaces glycine 134 with serine.
Molecular consequence: missense variant.
Genome position (GRCh38, 1-based): chr11:108,235,738, G>A. VCF-style: chr11-108235738-G-A. GRCh37 (hg19) VCF-style: chr11-108106465-G-A.
Other names: c.400G>A, p.Gly134Ser (NM_001351834.2); short protein forms G134S.
Identifiers: ClinVar variation 133632 (VCV000133632.21), dbSNP rs2234998, ClinGen allele CA157168.